The following is an entry in ClinVar:

NM_014363.6(SACS):c.2176C>T (p.Gln726Ter)

Gene: SACS (sacsin molecular chaperone; minus strand). Cytogenetic location: 13q12.12.
Variant type: single nucleotide variant.
Coding change: c.2176C>T on transcript NM_014363.6 (MANE Select); coding-DNA position 2176, C replaced by T.
Protein change: p.Gln726Ter; replaces glutamine 726 with a stop codon.
Molecular consequence: nonsense.
Genome position (GRCh38, 1-based): chr13:23,353,794, G>A on the plus strand (C>T on the coding strand, the complement: SACS is on the minus strand). VCF-style: chr13-23353794-G-A. GRCh37 (hg19) VCF-style: chr13-23927933-G-A.
Other names: c.1735C>T, p.Gln579Ter (NM_001278055.2); short protein forms Q579*, Q726*.
Identifiers: ClinVar variation 2678576 (VCV002678576.2), dbSNP rs1289055030, ClinGen allele CA387542811.

ClinVar aggregate classification (germline): Pathogenic/Likely pathogenic. Review status: criteria provided, multiple submitters, no conflicts (2 of 4 stars). 2 submissions from 2 submitters: Pathogenic (1); Likely pathogenic (1). Last evaluated 2025-09-03.

Conditions:
Charlevoix-Saguenay spastic ataxia (SACS). Also called: SPASTIC ATAXIA 6, AUTOSOMAL RECESSIVE; AUTOSOMAL RECESSIVE SPASTIC ATAXIA OF CHARLEVOIX-SAGUENAY; Spastic ataxia of Charlevoix-Saguenay. Identifiers: Orphanet 98, MedGen C1849140, MONDO:0010041, OMIM 270550.

Submissions (2):

Myriad Genetics, Inc.
Classification: Pathogenic for Charlevoix-Saguenay spastic ataxia. Last evaluated: 2025-09-03. Review status: criteria provided, single submitter. Criteria: Myriad Autosomal Dominant, Autosomal Recessive and X-Linked Classification Criteria (2023). Collection method: clinical testing. Allele origin: unknown.
Comment: NM_014363.4(SACS):c.2176C>T(Q726*) is a nonsense variant classified as pathogenic in the context of autosomal recessive spastic ataxia of Charlevoix-Saguenay. Q726* has not been observed in cases with relevant disease. Relevant functional assessments of this variant are not available in the literature. Q726* has not been observed in referenced population frequency databases. In summary, NM_014363.4(SACS):c.2176C>T(Q726*) is a nonsense variant in a gene where loss of function is a known mechanism of disease and is predicted to disrupt protein function. Please note: this variant was assessed in the context of healthy population screening.

Baylor Genetics
Classification: Likely pathogenic for Charlevoix-Saguenay spastic ataxia. Last evaluated: 2022-07-19. Review status: criteria provided, single submitter. Criteria: ACMG Guidelines, 2015. Collection method: clinical testing. Allele origin: unknown.